The following is an entry in ClinVar:

ClinVar aggregate classification (germline): Uncertain significance (1 of 4 stars; one submission).

Allele frequency attached by ClinVar (database versions not stated): TOPMed below 0.00001; gnomAD exomes 0.00002.
gnomAD v4.1: 16 of 1,614,136 alleles (0.00099%); highest among the groups gnomAD compares: African/African-American, 0.0013%; no homozygotes.

Submission:

GeneDx
Classification: Uncertain significance. Last evaluated: 2026-09-10. Review status: criteria provided, single submitter. Criteria: GeneDx Variant Classification Process June 2021. Collection method: clinical testing. Allele origin: germline.
Comment: Not observed at significant frequency in large population cohorts (gnomAD); In silico analysis supports that this missense variant has a deleterious effect on protein structure/function; Has not been previously published as pathogenic or benign to our knowledge

NM_001330288.2(SMARCC2):c.1145A>G (p.Glu382Gly)

Gene: SMARCC2 (SWI/SNF related BAF chromatin remodeling complex subunit C2; minus strand). Cytogenetic location: 12q13.2.
Variant type: single nucleotide variant.
Coding change: c.1145A>G on transcript NM_001330288.2 (MANE Select); coding-DNA position 1145, A replaced by G.
Protein change: p.Glu382Gly; replaces glutamic acid 382 with glycine.
Molecular consequence: missense variant.
Genome position (GRCh38, 1-based): chr12:56,178,844, T>C on the plus strand (A>G on the coding strand, the complement: SMARCC2 is on the minus strand). VCF-style: chr12-56178844-T-C. GRCh37 (hg19) VCF-style: chr12-56572628-T-C.
Other names: c.1145A>G, p.Glu382Gly (NM_001130420.3, NM_003075.5, NM_139067.4); short protein forms E382G.
Identifiers: ClinVar variation 2502561 (VCV002502561.2), dbSNP rs1875547878, ClinGen allele CA385350119.